The following is an entry in ClinVar:

NM_007289.4(MME):c.1645G>T (p.Gly549Ter)

Gene: MME (membrane metalloendopeptidase; plus strand). Cytogenetic location: 3q25.2.
Variant type: single nucleotide variant.
Coding change: c.1645G>T on transcript NM_007289.4 (MANE Select); coding-DNA position 1645, G replaced by T.
Protein change: p.Gly549Ter; replaces glycine 549 with a stop codon.
Molecular consequence: nonsense.
Genome position (GRCh38, 1-based): chr3:155,160,433, G>T. VCF-style: chr3-155160433-G-T. GRCh37 (hg19) VCF-style: chr3-154878222-G-T.
Other names: c.1645G>T, p.Gly549Ter (NM_000902.5, NM_001354642.2, NM_001354643.1 and 2 more transcripts); c.1645G>T (NM_007289.2); short protein forms G549*.
Identifiers: ClinVar variation 3000253 (VCV003000253.6), dbSNP rs1722635259, ClinGen allele CA355218043.

ClinVar aggregate classification (germline): Pathogenic. Review status: criteria provided, multiple submitters, no conflicts (2 of 4 stars). 3 submissions from 3 submitters: Pathogenic (2). 1 of the submissions does not count toward it. Last evaluated 2024-04-16.

Conditions:
MME-related disorder. Also called: MME-related condition.
Charcot-Marie-Tooth disease axonal type 2T. Identifiers: Orphanet 443950, MedGen C4015635, OMIM 617017, MONDO:0014866.

Submissions (3):

Institute of Immunology and Genetics Kaiserslautern
Classification: Pathogenic for Charcot-Marie-Tooth disease axonal type 2T. Last evaluated: 2024-04-16. Review status: criteria provided, single submitter. Criteria: ACMG Guidelines, 2015. Collection method: clinical testing. Allele origin: germline. Affected: yes.
Comment: ACMG Criteria: PVS1, PM2, PP5); Variant was found in heterozygous state

Labcorp Genetics (formerly Invitae), Labcorp
Classification: Pathogenic. Last evaluated: 2023-10-29. Review status: criteria provided, single submitter. Criteria: Invitae Variant Classification Sherloc (09022015). Collection method: clinical testing. Allele origin: germline.
Comment: This sequence change creates a premature translational stop signal (p.Gly549*) in the MME gene. It is expected to result in an absent or disrupted protein product. Loss-of-function variants in MME are known to be pathogenic (PMID: 26991897). This variant is not present in population databases (gnomAD no frequency). This variant has not been reported in the literature in individuals affected with MME-related conditions. For these reasons, this variant has been classified as Pathogenic.

PreventionGenetics, part of Exact Sciences
Classification: Pathogenic for MME-related condition. Last evaluated: 2023-12-27. Review status: no assertion criteria provided. Collection method: clinical testing. Allele origin: germline. Not counted in ClinVar's aggregate classification.
Comment: The MME c.1645G>T variant is predicted to result in premature protein termination (p.Gly549*). To our knowledge, this variant has not been reported in the literature or in a large population database, indicating this variant is rare. Nonsense variants in MME are expected to be pathogenic. This variant is interpreted as pathogenic.

Literature cited by the submitters: PubMed 26991897 (cited by Labcorp Genetics (formerly Invitae), Labcorp).